The following is an entry in ClinVar:

NM_000059.4(BRCA2):c.4002_4007del (p.Leu1334_Glu1335del)

Gene: BRCA2 (BRCA2 DNA repair associated; plus strand). Cytogenetic location: 13q13.1.
Variant type: Deletion.
Coding change: c.4002_4007del on transcript NM_000059.4 (MANE Select); coding-DNA positions 4002 to 4007, 6 bases deleted (AGAATT; older notation c.4002_4007delAGAATT).
Protein change: p.Leu1334_Glu1335del.
Molecular consequence: inframe deletion. On other transcripts: non-coding transcript variant (1), intron variant (2).
Genome position (GRCh38, 1-based): chr13:32,338,357-32,338,362, AGAATT deleted; deleting any 6 consecutive bases within chr13:32,338,355-32,338,362 gives the same sequence; the c. name uses the placement nearest the transcript's 3' end. VCF-style (leftmost placement, unchanged base first): chr13-32338354-CTTAGAA-C. GRCh37 (hg19) VCF-style: chr13-32912491-CTTAGAA-C.
Other names: c.4002_4007del, p.Leu1334_Glu1335del (NM_001406719.1, NM_001406720.1); c.1909+4970_1909+4975del (NM_001406721.1); c.425-6201_425-6196del (NM_001406722.1).
Identifiers: ClinVar variation 3226594 (VCV003226594.1), dbSNP rs2548527386, ClinGen allele CA2825002134.

ClinVar aggregate classification (germline): Uncertain significance (1 of 4 stars; one submission).

Conditions:
Hereditary cancer-predisposing syndrome. Also called: Neoplastic Syndromes, Hereditary; Tumor predisposition; Hereditary neoplastic syndrome; Hereditary Cancer Syndrome. Identifiers: Orphanet 140162, MedGen C0027672, MeSH D009386, MONDO:0015356.

Submission:

Ambry Genetics
Classification: Uncertain significance for Hereditary cancer-predisposing syndrome. Last evaluated: 2024-02-13. Review status: criteria provided, single submitter. Criteria: Ambry Variant Classification Scheme 2023. Collection method: clinical testing. Allele origin: germline.
Comment: The c.4002_4007delAGAATT variant (also known as p.L1334_E1335del) is located in coding exon 10 of the BRCA2 gene. This variant results from an in-frame AGAATT deletion at nucleotide positions 4002 to 4007. This results in the in-frame deletion of 2 amino acids (LE) at codons 1334 and 1335. These amino acid positions are not well conserved in available vertebrate species. In addition, this alteration is predicted to be deleterious by in silico analysis (Choi Y et al. PLoS ONE. 2012; 7(10):e46688). Based on the available evidence, the clinical significance of this alteration remains unclear.